The following is an entry in ClinVar:

ClinVar aggregate classification (germline): Uncertain significance. Review status: criteria provided, multiple submitters, no conflicts (2 of 4 stars). 2 submissions from 2 submitters: Uncertain significance (2). Last evaluated 2025-12-21.

Submissions (2):

Labcorp Genetics (formerly Invitae), Labcorp
Classification: Uncertain significance. Last evaluated: 2025-12-21. Review status: criteria provided, single submitter. Criteria: Invitae Variant Classification Sherloc (09022015). Collection method: clinical testing. Allele origin: germline.
Comment: This sequence change replaces glycine, which is neutral and non-polar, with aspartic acid, which is acidic and polar, at codon 1056 of the DIAPH3 protein (p.Gly1056Asp). This variant is not present in population databases (gnomAD no frequency). This variant has not been reported in the literature in individuals affected with DIAPH3-related conditions. An algorithm developed to predict the effect of missense changes on protein structure and function (PolyPhen-2) suggests that this variant is likely to be disruptive. In summary, the available evidence is currently insufficient to determine the role of this variant in disease. Therefore, it has been classified as a Variant of Uncertain Significance.

Ambry Genetics
Classification: Uncertain significance. Last evaluated: 2025-11-13. Review status: criteria provided, single submitter. Criteria: Ambry Variant Classification Scheme 2023. Collection method: clinical testing. Allele origin: germline.

NM_001042517.2(DIAPH3):c.3167G>A (p.Gly1056Asp)

Gene: DIAPH3 (diaphanous related formin 3; minus strand). Cytogenetic location: 13q21.2.
Variant type: single nucleotide variant.
Coding change: c.3167G>A on transcript NM_001042517.2 (MANE Select); coding-DNA position 3167, G replaced by A.
Protein change: p.Gly1056Asp; replaces glycine 1056 with aspartic acid.
Molecular consequence: missense variant.
Genome position (GRCh38, 1-based): chr13:59,774,820, C>T on the plus strand (G>A on the coding strand, the complement: DIAPH3 is on the minus strand). VCF-style: chr13-59774820-C-T. GRCh37 (hg19) VCF-style: chr13-60348954-C-T.
Other names: c.3134G>A, p.Gly1045Asp (NM_001258366.2); c.3029G>A, p.Gly1010Asp (NM_001258367.2); c.2957G>A, p.Gly986Asp (NM_001258368.2); c.3167G>A, p.Gly1056Asp (NM_001258369.2); c.2378G>A, p.Gly793Asp (NM_030932.4); short protein forms G793D, G1045D, G986D, G1010D, G1056D.
Identifiers: ClinVar variation 4660079 (VCV004660079.2).